The following is an entry in ClinVar:

ClinVar aggregate classification (germline): Uncertain significance. Review status: criteria provided, multiple submitters, no conflicts (2 of 4 stars). 3 submissions from 3 submitters: Uncertain significance (3). Last evaluated 2025-12-04.

Allele frequency attached by ClinVar (database versions not stated): ExAC 0.00003; TOPMed 0.00005; gnomAD 0.00006; ESP Exome Variant Server 0.00015.
gnomAD v4.1: 64 of 1,606,848 alleles (0.004%); highest among the groups gnomAD compares: Non-Finnish European, 0.0049%; no homozygotes.

Submissions (3):

GeneDx
Classification: Uncertain significance. Last evaluated: 2025-12-04. Review status: criteria provided, single submitter. Criteria: GeneDx Variant Classification Process June 2021. Collection method: clinical testing. Allele origin: germline. Affected: yes.
Comment: Reported in an individual suspected to have hereditary optic neuropathy (PMID: 19319978); Reported in an individual with optic atrophy, extinguished ERG, and talipes equinovarus who also harbored a second OPA1 variant (PMID: 33884488); In silico analysis supports that this missense variant has a deleterious effect on protein structure/function; This variant is associated with the following publications: (PMID: 26867657, 33884488, 19319978, 39423307)

Labcorp Genetics (formerly Invitae), Labcorp
Classification: Uncertain significance. Last evaluated: 2025-11-29. Review status: criteria provided, single submitter. Criteria: Invitae Variant Classification Sherloc (09022015). Collection method: clinical testing. Allele origin: germline.
Comment: This sequence change replaces arginine, which is basic and polar, with glutamine, which is neutral and polar, at codon 590 of the OPA1 protein (p.Arg590Gln). This variant is present in population databases (rs147077380, gnomAD 0.008%). This missense change has been observed in individual(s) with clinical features of dominant optic atrophy (PMID: 19319978). ClinVar contains an entry for this variant (Variation ID: 1298949). An algorithm developed to predict the effect of missense changes on protein structure and function (PolyPhen-2) suggests that this variant is likely to be disruptive. In summary, the available evidence is currently insufficient to determine the role of this variant in disease. Therefore, it has been classified as a Variant of Uncertain Significance.

CeGaT Center for Human Genetics Tuebingen
Classification: Uncertain significance. Last evaluated: 2021-07-01. Review status: criteria provided, single submitter. Criteria: CeGaT Center For Human Genetics Tuebingen Variant Classification Criteria Version 2. Collection method: clinical testing. Allele origin: germline. Affected: yes. Observed: 2 variant alleles.

Literature cited by the submitters: PubMed 19319978 (cited by Labcorp Genetics (formerly Invitae), Labcorp).

NM_130837.3(OPA1):c.1934G>A (p.Arg645Gln)

Gene: OPA1 (OPA1 mitochondrial dynamin like GTPase; plus strand). Cytogenetic location: 3q29.
Variant type: single nucleotide variant.
Coding change: c.1934G>A on transcript NM_130837.3 (MANE Select); coding-DNA position 1934, G replaced by A.
Protein change: p.Arg645Gln; replaces arginine 645 with glutamine.
Molecular consequence: missense variant.
Genome position (GRCh38, 1-based): chr3:193,648,133, G>A. VCF-style: chr3-193648133-G-A. GRCh37 (hg19) VCF-style: chr3-193365922-G-A.
Other names: c.1400G>A, p.Arg467Gln (NM_001354663.2); c.1397G>A, p.Arg466Gln (NM_001354664.2); c.1769G>A, p.Arg590Gln (NM_015560.3); c.1661G>A, p.Arg554Gln (NM_130831.3); c.1715G>A, p.Arg572Gln (NM_130832.3); c.1772G>A, p.Arg591Gln (NM_130833.3); c.1823G>A, p.Arg608Gln (NM_130834.3); c.1826G>A, p.Arg609Gln (NM_130835.3); and 1 more; short protein forms R466Q, R467Q, R554Q, R572Q, R590Q, R591Q, R608Q, R609Q.
Identifiers: ClinVar variation 1298949 (VCV001298949.43), dbSNP rs147077380, ClinGen allele CA2759524.